The following is an entry in ClinVar:

NM_005002.5(NDUFA9):c.88G>A (p.Gly30Ser)

Gene: NDUFA9 (NADH:ubiquinone oxidoreductase subunit A9; plus strand). Cytogenetic location: 12p13.32.
Variant type: single nucleotide variant.
Coding change: c.88G>A on transcript NM_005002.5 (MANE Select); coding-DNA position 88, G replaced by A.
Protein change: p.Gly30Ser; replaces glycine 30 with serine.
Molecular consequence: missense variant.
Genome position (GRCh38, 1-based): chr12:4,654,330, G>A. VCF-style: chr12-4654330-G-A. GRCh37 (hg19) VCF-style: chr12-4763496-G-A.
Other names: c.88G>A (NM_005002.4); short protein forms G30S.
Identifiers: ClinVar variation 1430671 (VCV001430671.10), dbSNP rs529503724, ClinGen allele CA6397992.

ClinVar aggregate classification (germline): Uncertain significance. Review status: criteria provided, multiple submitters, no conflicts (2 of 4 stars). 2 submissions from 2 submitters: Uncertain significance (2). Last evaluated 2025-09-11.

Conditions:
Inborn genetic diseases. Identifiers: MedGen C0950123, MeSH D030342.

Allele frequency attached by ClinVar (database versions not stated): gnomAD 0.00006 and 0.00009; TOPMed 0.00006; gnomAD exomes 0.00009 and 0.00015; 1000 Genomes Project 30x 0.00016; ExAC 0.00017; 1000 Genomes Project 0.00020.
gnomAD v4.1: 136 of 1,614,000 alleles (0.0084%); highest among the groups gnomAD compares: South Asian, 0.13%; 2 homozygotes.

Submissions (2):

Ambry Genetics
Classification: Uncertain significance for Inborn genetic diseases. Last evaluated: 2025-09-11. Review status: criteria provided, single submitter. Criteria: Ambry Variant Classification Scheme 2023. Collection method: clinical testing. Allele origin: germline.

Labcorp Genetics (formerly Invitae), Labcorp
Classification: Uncertain significance. Last evaluated: 2024-08-12. Review status: criteria provided, single submitter. Criteria: Invitae Variant Classification Sherloc (09022015). Collection method: clinical testing. Allele origin: germline.
Comment: This sequence change replaces glycine, which is neutral and non-polar, with serine, which is neutral and polar, at codon 30 of the NDUFA9 protein (p.Gly30Ser). This variant is present in population databases (rs529503724, gnomAD 0.1%), and has an allele count higher than expected for a pathogenic variant. This variant has not been reported in the literature in individuals affected with NDUFA9-related conditions. ClinVar contains an entry for this variant (Variation ID: 1430671). An algorithm developed to predict the effect of missense changes on protein structure and function outputs the following: PolyPhen-2: "Benign". The serine amino acid residue is found in multiple mammalian species, which suggests that this missense change does not adversely affect protein function. In summary, the available evidence is currently insufficient to determine the role of this variant in disease. Therefore, it has been classified as a Variant of Uncertain Significance.